The following is an entry in ClinVar:

ClinVar aggregate classification (germline): Uncertain significance (1 of 4 stars; one submission).

Conditions:
Alagille syndrome due to a JAG1 point mutation. Also called: Alagille Syndrome 1; JAG1-Related Alagille Syndrome; HEPATIC DUCTULAR HYPOPLASIA, SYNDROMATIC. Identifiers: Orphanet 261619, Orphanet 52, MedGen C1956125, MONDO:0016862, OMIM 118450.

Submission:

Labcorp Genetics (formerly Invitae), Labcorp
Classification: Uncertain significance for Alagille syndrome due to a JAG1 point mutation. Last evaluated: 2023-12-09. Review status: criteria provided, single submitter. Criteria: Invitae Variant Classification Sherloc (09022015). Collection method: clinical testing. Allele origin: germline.
Comment: This sequence change replaces cysteine, which is neutral and slightly polar, with serine, which is neutral and polar, at codon 936 of the JAG1 protein (p.Cys936Ser). This variant is not present in population databases (gnomAD no frequency). This variant has not been reported in the literature in individuals affected with JAG1-related conditions. Advanced modeling of protein sequence and biophysical properties (such as structural, functional, and spatial information, amino acid conservation, physicochemical variation, residue mobility, and thermodynamic stability) performed at Invitae indicates that this missense variant is expected to disrupt JAG1 protein function with a positive predictive value of 95%. In summary, the available evidence is currently insufficient to determine the role of this variant in disease. Therefore, it has been classified as a Variant of Uncertain Significance.

NM_000214.3(JAG1):c.2807G>C (p.Cys936Ser)

Gene: JAG1 (jagged canonical Notch ligand 1; minus strand). Cytogenetic location: 20p12.2.
Variant type: single nucleotide variant.
Coding change: c.2807G>C on transcript NM_000214.3 (MANE Select); coding-DNA position 2807, G replaced by C.
Protein change: p.Cys936Ser; replaces cysteine 936 with serine.
Molecular consequence: missense variant.
Genome position (GRCh38, 1-based): chr20:10,641,569, C>G on the plus strand (G>C on the coding strand, the complement: JAG1 is on the minus strand). VCF-style: chr20-10641569-C-G. GRCh37 (hg19) VCF-style: chr20-10622217-C-G.
Other names: short protein forms C936S.
Identifiers: ClinVar variation 2760705 (VCV002760705.3), dbSNP rs1568792050, ClinGen allele CA408244929.